The following is an entry in ClinVar:

NC_000011.9:g.(?_65983971)_(65984266_?)del

Gene: PACS1 (phosphofurin acidic cluster sorting protein 1; plus strand). Cytogenetic location: 11q13.2.
Variant type: Deletion.
Identifiers: ClinVar variation 2426419 (VCV002426419.3).

ClinVar aggregate classification (germline): Uncertain significance (1 of 4 stars; one submission).

Conditions:
Schuurs-Hoeijmakers syndrome. Also called: PACS1-Related Neurodevelopmental Disorder. Identifiers: Orphanet 329224, MedGen C3554343, MONDO:0014006, OMIM 615009.

Submission:

Labcorp Genetics (formerly Invitae), Labcorp
Classification: Uncertain significance for Schuurs-Hoeijmakers syndrome. Last evaluated: 2022-11-11. Review status: criteria provided, single submitter. Criteria: Invitae Variant Classification Sherloc (09022015). Collection method: clinical testing. Allele origin: germline.
Comment: In summary, the available evidence is currently insufficient to determine the role of this variant in disease. Therefore, it has been classified as a Variant of Uncertain Significance. Experimental studies and prediction algorithms are not available or were not evaluated, and the functional significance of this variant is currently unknown. This variant has not been reported in the literature in individuals affected with PACS1-related conditions. This variant is a gross deletion of the genomic region encompassing exon(s) 6-7 of the PACS1 gene. This deletion is out-of-frame, and is expected to create a premature translational stop signal and result in an absent or disrupted protein product. However, the current clinical and genetic evidence is not sufficient to establish whether loss-of-function variants in PACS1 cause disease.